The following is an entry in ClinVar:

ClinVar aggregate classification (germline): Pathogenic. Review status: reviewed by expert panel (3 of 4 stars). 4 submissions from 4 submitters: Pathogenic (1). 3 of the submissions do not count toward it. Last evaluated 2016-09-08.

Conditions:
Hereditary cancer-predisposing syndrome. Also called: Hereditary Cancer Syndrome; Hereditary neoplastic syndrome; Neoplastic Syndromes, Hereditary; Tumor predisposition. Identifiers: Orphanet 140162, MedGen C0027672, MeSH D009386, MONDO:0015356.
Breast-ovarian cancer, familial, susceptibility to, 1 (BROVCA1). Also called: BRCA1 Hereditary Breast and Ovarian Cancer; OVARIAN CANCER, SUSCEPTIBILITY TO. Identifiers: Orphanet 145, MedGen C2676676, MONDO:0011450, OMIM 604370. Disease mechanism: loss of function.
Hereditary breast ovarian cancer syndrome. Also called: BRCA1- and BRCA2-Associated Hereditary Breast and Ovarian Cancer; Hereditary breast and ovarian cancer syndrome; Hereditary breast and ovarian cancer syndrome (HBOC); Breast and ovarian cancer; Hereditary breast and/or ovarian cancer syndrome; Hereditary breast and ovarian cancer. Identifiers: Orphanet 145, MedGen C0677776, MeSH D061325, MONDO:0003582. Disease mechanism: loss of function.

Submissions (4):

Evidence-based Network for the Interpretation of Germline Mutant Alleles (ENIGMA)
Classification: Pathogenic for Breast-ovarian cancer, familial, susceptibility to, 1. Last evaluated: 2016-09-08. Review status: reviewed by expert panel. Criteria: ENIGMA BRCA1/2 Classification Criteria (2015). Collection method: curation. Allele origin: germline.
Comment: Variant allele predicted to encode a truncated non-functional protein.

Ambry Genetics
Classification: Pathogenic for Hereditary cancer-predisposing syndrome. Last evaluated: 2023-05-03. Review status: criteria provided, single submitter. Criteria: Ambry Variant Classification Scheme 2023. Collection method: clinical testing. Allele origin: germline. Not counted in ClinVar's aggregate classification.
Comment: The c.1875delA pathogenic mutation, located in coding exon 9 of the BRCA1 gene, results from a deletion of one nucleotide at nucleotide position 1875, causing a translational frameshift with a predicted alternate stop codon (p.V626*). This variant is considered to be rare based on population cohorts in the Genome Aggregation Database (gnomAD). This alteration is expected to result in loss of function by premature protein truncation or nonsense-mediated mRNA decay. As such, this alteration is interpreted as a disease-causing mutation.

Labcorp Genetics (formerly Invitae), Labcorp
Classification: Pathogenic for Hereditary breast ovarian cancer syndrome. Last evaluated: 2020-06-18. Review status: criteria provided, single submitter. Criteria: Invitae Variant Classification Sherloc (09022015). Collection method: clinical testing. Allele origin: germline. Not counted in ClinVar's aggregate classification.
Comment: For these reasons, this variant has been classified as Pathogenic. Loss-of-function variants in BRCA1 are known to be pathogenic (PMID: 20104584). This variant has been reported in individuals in the Leiden Open-source Variation Database (PMID: 21520333). ClinVar contains an entry for this variant (Variation ID: 91567). This variant is not present in population databases (ExAC no frequency). This sequence change creates a premature translational stop signal (p.Val626*) in the BRCA1 gene. It is expected to result in an absent or disrupted protein product.

Sharing Clinical Reports Project (SCRP)
Classification: Pathogenic for Breast-ovarian cancer, familial 1. Last evaluated: 2009-10-30. Review status: no assertion criteria provided. Collection method: clinical testing. Allele origin: germline. Not counted in ClinVar's aggregate classification.

Literature cited by the submitters: PubMed 20104584 (cited by Labcorp Genetics (formerly Invitae), Labcorp); PubMed 21520333 (cited by Labcorp Genetics (formerly Invitae), Labcorp).

NM_007294.4(BRCA1):c.1875del (p.Leu625_Val626insTer)

Gene: BRCA1 (BRCA1 DNA repair associated; minus strand). Cytogenetic location: 17q21.31.
Variant type: Deletion.
Coding change: c.1875del on transcript NM_007294.4 (MANE Select); coding-DNA position 1875, one base deleted (A; older notation c.1875delA).
Protein change: p.Leu625_Val626insTer.
Molecular consequence: frameshift variant. On other transcripts: intron variant (137).
Genome position (GRCh38, 1-based): chr17:43,093,656, T deleted on the plus strand (A on the coding strand, the reverse complement: BRCA1 is on the minus strand). VCF-style (leftmost placement, unchanged base first): chr17-43093655-CT-C. GRCh37 (hg19) VCF-style: chr17-41245672-CT-C.
Other names: 1994delA; c.1662del, p.Leu554_Val555insTer (NM_001407571.1, NM_001407853.1, NM_001407894.1 and 9 more transcripts); c.1875del, p.Leu625_Val626insTer (NM_001407581.1, NM_001407582.1, NM_001407583.1 and 30 more transcripts); c.1872del, p.Leu624_Val625insTer (NM_001407587.1, NM_001407590.1, NM_001407591.1 and 22 more transcripts); c.1866del, p.Leu622_Val623insTer (NM_001407646.1, NM_001407647.1); c.1752del, p.Leu584_Val585insTer (NM_001407648.1, NM_001407664.1, NM_001407665.1 and 19 more transcripts); c.1749del, p.Leu583_Val584insTer (NM_001407649.1, NM_001407670.1, NM_001407671.1 and 11 more transcripts); c.1797del, p.Leu599_Val600insTer (NM_001407653.1, NM_001407654.1, NM_001407655.1 and 4 more transcripts); and 41 more.
Identifiers: ClinVar variation 91567 (VCV000091567.14), dbSNP rs398122646, ClinGen allele CA001218.